The following is an entry in ClinVar:

NM_001079843.3(CASZ1):c.868A>G (p.Thr290Ala)

Gene: CASZ1 (castor zinc finger 1; minus strand). Cytogenetic location: 1p36.22.
Variant type: single nucleotide variant.
Coding change: c.868A>G on transcript NM_001079843.3 (MANE Select); coding-DNA position 868, A replaced by G.
Protein change: p.Thr290Ala; replaces threonine 290 with alanine.
Molecular consequence: missense variant.
Genome position (GRCh38, 1-based): chr1:10,660,174, T>C on the plus strand (A>G on the coding strand, the complement: CASZ1 is on the minus strand). VCF-style: chr1-10660174-T-C. GRCh37 (hg19) VCF-style: chr1-10720231-T-C.
Other names: c.868A>G, p.Thr290Ala (NM_017766.5); short protein forms T290A.
Identifiers: ClinVar variation 3364311 (VCV003364311.1).

ClinVar aggregate classification (germline): Uncertain significance (1 of 4 stars; one submission).

Submission:

GeneDx
Classification: Uncertain significance. Last evaluated: 2023-11-11. Review status: criteria provided, single submitter. Criteria: GeneDx Variant Classification Process June 2021. Collection method: clinical testing. Allele origin: germline. Affected: yes.
Comment: Not observed at significant frequency in large population cohorts (gnomAD); In silico analysis supports that this missense variant does not alter protein structure/function; Has not been previously published as pathogenic or benign to our knowledge; Variants in candidate genes are classified as variants of uncertain significance in accordance with ACMG guidelines (PMID: 25741868)